The following is an entry in ClinVar:

ClinVar aggregate classification (germline): Likely benign (1 of 4 stars; one submission).

Conditions:
PKD1L1-related disorder. Also called: PKD1L1-related condition.

gnomAD v4.1: 17 of 1,613,990 alleles (0.0011%); highest among the groups gnomAD compares: Non-Finnish European, 0.0014%; no homozygotes.

Submission:

PreventionGenetics, part of Exact Sciences
Classification: Likely benign for PKD1L1-related condition. Last evaluated: 2026-07-14. Review status: criteria provided, single submitter. Criteria: ACMG Guidelines, 2015. Collection method: clinical testing. Allele origin: germline.
Comment: This variant is classified as likely benign based on ACMG/AMP sequence variant interpretation guidelines (Richards et al. 2015 PMID: 25741868, with internal and published modifications).

NM_138295.5(PKD1L1):c.1545A>T (p.Gly515=)

Gene: PKD1L1 (polycystin 1 like 1, transient receptor potential channel interacting; minus strand). Cytogenetic location: 7p12.3.
Variant type: single nucleotide variant.
Coding change: c.1545A>T on transcript NM_138295.5 (MANE Select); coding-DNA position 1545, A replaced by T.
Protein change: p.Gly515=; no amino-acid change (glycine 515 retained).
Molecular consequence: synonymous variant.
Genome position (GRCh38, 1-based): chr7:47,905,303, T>A on the plus strand (A>T on the coding strand, the complement: PKD1L1 is on the minus strand). VCF-style: chr7-47905303-T-A. GRCh37 (hg19) VCF-style: chr7-47944900-T-A.
Identifiers: ClinVar variation 4980449 (VCV004980449.1).